The following is an entry in ClinVar:

ClinVar aggregate classification (germline): Uncertain significance. Review status: criteria provided, multiple submitters, no conflicts (2 of 4 stars). 3 submissions from 3 submitters: Uncertain significance (3). Last evaluated 2024-11-05.

Conditions:
Atrial conduction disease. Identifiers: Orphanet 436242, MedGen CN221670, MONDO:0014500.
Inborn genetic diseases. Identifiers: MedGen C0950123, MeSH D030342.

Allele frequency attached by ClinVar (database versions not stated): ExAC 0.00001; gnomAD exomes 0.00001; gnomAD 0.00002.
gnomAD v4.1: 12 of 1,612,380 alleles (0.00074%); highest among the groups gnomAD compares: Admixed American, 0.018%; no homozygotes.

Submissions (3):

Labcorp Genetics (formerly Invitae), Labcorp
Classification: Uncertain significance. Last evaluated: 2024-11-05. Review status: criteria provided, single submitter. Criteria: Invitae Variant Classification Sherloc (09022015). Collection method: clinical testing. Allele origin: germline.
Comment: This sequence change replaces glutamic acid, which is acidic and polar, with valine, which is neutral and non-polar, at codon 770 of the TNNI3K protein (p.Glu770Val). This variant is present in population databases (rs765132869, gnomAD 0.01%). This variant has not been reported in the literature in individuals affected with TNNI3K-related conditions. ClinVar contains an entry for this variant (Variation ID: 2203153). An algorithm developed to predict the effect of missense changes on protein structure and function (PolyPhen-2) suggests that this variant is likely to be disruptive. In summary, the available evidence is currently insufficient to determine the role of this variant in disease. Therefore, it has been classified as a Variant of Uncertain Significance.

Genome-Nilou Lab
Classification: Uncertain significance for Cardiac conduction disease with or without dilated cardiomyopathy 1. Last evaluated: 2023-04-11. Review status: criteria provided, single submitter. Criteria: ACMG Guidelines, 2015. Collection method: clinical testing. Allele origin: germline. Affected: no.

Ambry Genetics
Classification: Uncertain significance for Inborn genetic diseases. Last evaluated: 2021-10-26. Review status: criteria provided, single submitter. Criteria: Ambry Variant Classification Scheme 2023. Collection method: clinical testing. Allele origin: germline.

NM_015978.3(TNNI3K):c.2309A>T (p.Glu770Val)

Genes: FPGT-TNNI3K (FPGT-TNNI3K readthrough; plus strand), LRRC53 (leucine rich repeat containing 53; minus strand), TNNI3K (TNNI3 interacting kinase; plus strand). Cytogenetic location: 1p31.1.
Variant type: single nucleotide variant.
Coding change: c.2309A>T on transcript NM_015978.3 (MANE Select); coding-DNA position 2309, A replaced by T.
Protein change: p.Glu770Val; replaces glutamic acid 770 with valine.
Molecular consequence: missense variant. On other transcripts: intron variant (2).
Genome position (GRCh38, 1-based): chr1:74,492,224, A>T. VCF-style: chr1-74492224-A-T. GRCh37 (hg19) VCF-style: chr1-74957908-A-T.
Other names: c.2612A>T, p.Glu871Val (NM_001112808.3); c.-8-11256T>A (NM_001364666.2); c.-26-8849T>A (NM_001382280.1); short protein forms E770V, E871V.
Identifiers: ClinVar variation 2203153 (VCV002203153.6), dbSNP rs765132869, ClinGen allele CA909849.
Genomic context (GRCh38, chr1:74,492,224, plus strand): 5'-TGAACCGGGGAGGACCTGGCCGGAGTCATGTGGCAGCATTAAGAAGTCGTTTCGAATTGG[A>T]ATATGCTCTAAATGCAAGGTCCTATGCTGCTTTGTCCCAAAGGTGAGTGGTAATATAAGC-3'
Protein context (NP_057062.1, residues 760-780): VAALRSRFEL[Glu770Val]YALNARSYAA